The following is an entry in ClinVar:

ClinVar aggregate classification (germline): Uncertain significance. Review status: criteria provided, multiple submitters, no conflicts (2 of 4 stars). 2 submissions from 2 submitters: Uncertain significance (2). Last evaluated 2025-03-05.

Allele frequency attached by ClinVar (database versions not stated): ExAC 0.00008; gnomAD 0.00003; TOPMed 0.00008.
gnomAD v4.1: 38 of 1,613,018 alleles (0.0024%); highest among the groups gnomAD compares: Admixed American, 0.045%; no homozygotes.

Submissions (2):

Labcorp Genetics (formerly Invitae), Labcorp
Classification: Uncertain significance. Last evaluated: 2025-03-05. Review status: criteria provided, single submitter. Criteria: Invitae Variant Classification Sherloc (09022015). Collection method: clinical testing. Allele origin: germline.
Comment: This sequence change replaces aspartic acid, which is acidic and polar, with asparagine, which is neutral and polar, at codon 495 of the POLD2 protein (p.Asp495Asn). This variant is present in population databases (rs752936314, gnomAD 0.06%), and has an allele count higher than expected for a pathogenic variant. This variant has not been reported in the literature in individuals affected with POLD2-related conditions. ClinVar contains an entry for this variant (Variation ID: 2889721). Experimental studies and prediction algorithms are not available or were not evaluated, and the functional significance of this variant is currently unknown. In summary, the available evidence is currently insufficient to determine the role of this variant in disease. Therefore, it has been classified as a Variant of Uncertain Significance.

Ambry Genetics
Classification: Uncertain significance. Last evaluated: 2023-12-13. Review status: criteria provided, single submitter. Criteria: Ambry Variant Classification Scheme 2023. Collection method: clinical testing. Allele origin: germline.

NM_006230.4(POLD2):c.1378G>A (p.Asp460Asn)

Gene: POLD2 (DNA polymerase delta 2, accessory subunit; minus strand). Cytogenetic location: 7p13.
Variant type: single nucleotide variant.
Coding change: c.1378G>A on transcript NM_006230.4 (MANE Select); coding-DNA position 1378, G replaced by A.
Protein change: p.Asp460Asn; replaces aspartic acid 460 with asparagine.
Molecular consequence: missense variant.
Genome position (GRCh38, 1-based): chr7:44,114,817, C>T on the plus strand (G>A on the coding strand, the complement: POLD2 is on the minus strand). VCF-style: chr7-44114817-C-T. GRCh37 (hg19) VCF-style: chr7-44154416-C-T.
Other names: c.1378G>A (NM_001127218.1); c.1378G>A, p.Asp460Asn (NM_001127218.3, NM_001256879.2); short protein forms D460N.
Identifiers: ClinVar variation 2889721 (VCV002889721.4), dbSNP rs752936314, ClinGen allele CA4238532.